The following is an entry in ClinVar:

NM_032193.4(RNASEH2C):c.222G>T (p.Ala74=)

Gene: RNASEH2C (ribonuclease H2 subunit C; minus strand). Cytogenetic location: 11q13.1.
Variant type: single nucleotide variant.
Coding change: c.222G>T on transcript NM_032193.4 (MANE Select); coding-DNA position 222, G replaced by T.
Protein change: p.Ala74=; no amino-acid change (alanine 74 retained).
Molecular consequence: synonymous variant.
Genome position (GRCh38, 1-based): chr11:65,720,368, C>A on the plus strand (G>T on the coding strand, the complement: RNASEH2C is on the minus strand). VCF-style: chr11-65720368-C-A. GRCh37 (hg19) VCF-style: chr11-65487839-C-A.
Identifiers: ClinVar variation 3021390 (VCV003021390.4), dbSNP rs1365307674, ClinGen allele CA475472925.

ClinVar aggregate classification (germline): Likely benign. Review status: criteria provided, multiple submitters, no conflicts (2 of 4 stars). 2 submissions from 2 submitters: Likely benign (2). Last evaluated 2025-06-13.

Conditions:
RNASEH2C-related disorder. Also called: RNASEH2C-related condition.
Aicardi-Goutieres syndrome 3. Identifiers: Orphanet 51, MedGen C1835916, MONDO:0012471, OMIM 610329.

Submissions (2):

PreventionGenetics, part of Exact Sciences
Classification: Likely benign for RNASEH2C-related condition. Last evaluated: 2025-06-13. Review status: criteria provided, single submitter. Criteria: ACMG Guidelines, 2015. Collection method: clinical testing. Allele origin: germline.
Comment: This variant is classified as likely benign based on ACMG/AMP sequence variant interpretation guidelines (Richards et al. 2015 PMID: 25741868, with internal and published modifications).

Labcorp Genetics (formerly Invitae), Labcorp
Classification: Likely benign for Aicardi-Goutieres syndrome 3. Last evaluated: 2025-03-25. Review status: criteria provided, single submitter. Criteria: Invitae Variant Classification Sherloc (09022015). Collection method: clinical testing. Allele origin: germline.